The following is an entry in ClinVar:

ClinVar aggregate classification (germline): Likely benign. Review status: criteria provided, multiple submitters, no conflicts (2 of 4 stars). 4 submissions from 4 submitters: Likely benign (2). 2 of the submissions do not count toward it. Last evaluated 2023-04-26.

Conditions:
Hypertrophic cardiomyopathy 14. Identifiers: MedGen C2750467, MONDO:0013197, OMIM 613251.

Allele frequency attached by ClinVar (database versions not stated): gnomAD exomes below 0.00001; gnomAD 0.00001; TOPMed 0.00002.

Submissions (4):

Labcorp Genetics (formerly Invitae), Labcorp
Classification: Likely benign for Hypertrophic cardiomyopathy 14. Last evaluated: 2023-04-26. Review status: criteria provided, single submitter. Criteria: Invitae Variant Classification Sherloc (09022015). Collection method: clinical testing. Allele origin: germline.

Laboratory for Molecular Medicine, Mass General Brigham Personalized Medicine
Classification: Likely benign. Last evaluated: 2012-05-10. Review status: criteria provided, single submitter. Criteria: LMM Criteria. Collection method: clinical testing. Allele origin: germline. Observed: 1 variant allele.
Comment: Phe84Phe in exon 4 of MYH6: This variant is not expected to have clinical signif icance because it does not alter an amino acid residue and is not located within the splice consensus sequence. Phe84Phe in exon 4 of MYH6 (allele frequency = n/a)

Clinical Genetics, Academic Medical Center
Classification: Benign. Review status: no assertion criteria provided. Collection method: clinical testing. Allele origin: germline. Affected: yes. Study: VKGL Data-share Consensus. Not counted in ClinVar's aggregate classification.

Joint Genome Diagnostic Labs from Nijmegen and Maastricht, Radboudumc and MUMC+
Classification: Likely benign. Review status: no assertion criteria provided. Collection method: clinical testing. Allele origin: germline. Affected: yes. Study: VKGL Data-share Consensus. Not counted in ClinVar's aggregate classification.

NM_002471.4(MYH6):c.252C>T (p.Phe84=)

Genes: MYH6 (myosin heavy chain 6; minus strand), LOC114827851 (VISTA enhancer hs2155; plus strand). Cytogenetic location: 14q11.2.
Variant type: single nucleotide variant.
Coding change: c.252C>T on transcript NM_002471.4 (MANE Select); coding-DNA position 252, C replaced by T.
Protein change: p.Phe84=; no amino-acid change (phenylalanine 84 retained).
Molecular consequence: synonymous variant.
Genome position (GRCh38, 1-based): chr14:23,405,720, G>A on the plus strand (C>T on the coding strand, the complement: MYH6 is on the minus strand). VCF-style: chr14-23405720-G-A. GRCh37 (hg19) VCF-style: chr14-23874929-G-A.
Identifiers: ClinVar variation 44465 (VCV000044465.15), dbSNP rs397516757, ClinGen allele CA134277.